The following is an entry in ClinVar:

NM_001845.6(COL4A1):c.3202G>T (p.Asp1068Tyr)

Gene: COL4A1 (collagen type IV alpha 1 chain; minus strand). Cytogenetic location: 13q34.
Variant type: single nucleotide variant.
Coding change: c.3202G>T on transcript NM_001845.6 (MANE Select); coding-DNA position 3202, G replaced by T.
Protein change: p.Asp1068Tyr; replaces aspartic acid 1068 with tyrosine.
Molecular consequence: missense variant.
Genome position (GRCh38, 1-based): chr13:110,174,746, C>A on the plus strand (G>T on the coding strand, the complement: COL4A1 is on the minus strand). VCF-style: chr13-110174746-C-A. GRCh37 (hg19) VCF-style: chr13-110827093-C-A.
Other names: short protein forms D1068Y.
Identifiers: ClinVar variation 3683204 (VCV003683204.2).

ClinVar aggregate classification (germline): Uncertain significance (1 of 4 stars; one submission).

gnomAD v4.1: 1 of 1,613,494 alleles (0.000062%); highest among the groups gnomAD compares: Admixed American, 0.0017%; no homozygotes.

Submission:

Labcorp Genetics (formerly Invitae), Labcorp
Classification: Uncertain significance. Last evaluated: 2024-04-02. Review status: criteria provided, single submitter. Criteria: Invitae Variant Classification Sherloc (09022015). Collection method: clinical testing. Allele origin: germline.
Comment: This sequence change replaces aspartic acid, which is acidic and polar, with tyrosine, which is neutral and polar, at codon 1068 of the COL4A1 protein (p.Asp1068Tyr). This variant is not present in population databases (gnomAD no frequency). This variant has not been reported in the literature in individuals affected with COL4A1-related conditions. An algorithm developed to predict the effect of missense changes on protein structure and function (PolyPhen-2) suggests that this variant is likely to be disruptive. In summary, the available evidence is currently insufficient to determine the role of this variant in disease. Therefore, it has been classified as a Variant of Uncertain Significance.